The following is an entry in ClinVar:

ClinVar aggregate classification (germline): Uncertain significance (1 of 4 stars; one submission).

gnomAD v4.1: 26 of 1,614,142 alleles (0.0016%); highest among the groups gnomAD compares: South Asian, 0.0022%; no homozygotes.

Submission:

GeneDx
Classification: Uncertain significance. Last evaluated: 2025-02-25. Review status: criteria provided, single submitter. Criteria: GeneDx Variant Classification Process June 2021. Collection method: clinical testing. Allele origin: germline. Affected: yes.
Comment: Reported in association with hypertriglyceridemia; however, detailed clinical information was not provided (PMID: 36325899); In silico analysis supports that this missense variant has a deleterious effect on protein structure/function; Not observed at significant frequency in large population cohorts (gnomAD); This variant is associated with the following publications: (PMID: 36325899)

NM_138711.6(PPARG):c.1370C>T (p.Thr457Met)

Gene: PPARG (peroxisome proliferator activated receptor gamma; plus strand). Cytogenetic location: 3p25.2.
Variant type: single nucleotide variant.
Coding change: c.1370C>T on transcript NM_138711.6 (MANE Select); coding-DNA position 1370, C replaced by T.
Protein change: p.Thr457Met; replaces threonine 457 with methionine.
Molecular consequence: missense variant. On other transcripts: 3 prime UTR variant (5).
Genome position (GRCh38, 1-based): chr3:12,434,087, C>T. VCF-style: chr3-12434087-C-T. GRCh37 (hg19) VCF-style: chr3-12475586-C-T.
Other names: c.*172C>T (NM_001330615.4, NM_001374261.3, NM_001374262.3 and 1 more transcripts); c.1370C>T, p.Thr457Met (NM_001354666.3, NM_001354667.3, NM_001374263.2 and 3 more transcripts); c.743C>T, p.Thr248Met (NM_001354669.2); c.*156C>T (NM_001374266.1); c.1460C>T, p.Thr487Met (NM_015869.5); short protein forms T248M, T457M, T487M.
Identifiers: ClinVar variation 4076646 (VCV004076646.1).